The following is an entry in ClinVar:

NM_002180.3(IGHMBP2):c.2276del (p.His759fs)

Gene: IGHMBP2 (immunoglobulin mu DNA binding protein 2; plus strand). Cytogenetic location: 11q13.3.
Variant type: Deletion.
Coding change: c.2276del on transcript NM_002180.3 (MANE Select); coding-DNA position 2276, one base deleted (A; older notation c.2276delA).
Protein change: p.His759fs; shifts the reading frame from histidine 759.
Molecular consequence: frameshift variant.
Genome position (GRCh38, 1-based): chr11:68,936,756, A deleted. VCF-style (leftmost placement, unchanged base first): chr11-68936755-CA-C. GRCh37 (hg19) VCF-style: chr11-68704223-CA-C.
Other names: short protein forms H759fs.
Identifiers: ClinVar variation 3775517 (VCV003775517.1).
Genomic context (GRCh38, chr11:68,936,755, plus strand): 5'-AGCAAGAAGATGCAGTTGGAGTTTCCTCCTTCCCTCAATTCCCACGACAGGCTGCGGGTC[CA>C]CCAAATAGCCGAGGAGCACGGGCTGAGGCACGACAGTTCCGGGGAAGGGAAGAGGAGGTT-3'

ClinVar aggregate classification (germline): Pathogenic (1 of 4 stars; one submission).

Conditions:
Autosomal recessive distal spinal muscular atrophy 1. Also called: NEURONOPATHY, DISTAL HEREDITARY MOTOR, HARDING TYPE VI; NEUROPATHY, DISTAL HEREDITARY MOTOR, AUTOSOMAL RECESSIVE 1; NEURONOPATHY, SEVERE INFANTILE AXONAL, WITH RESPIRATORY FAILURE; HMN VI; SEVERE INFANTILE AXONAL NEUROPATHY WITH RESPIRATORY FAILURE; SPINAL MUSCULAR ATROPHY, DIAPHRAGMATIC. Identifiers: Orphanet 98920, MedGen C1858517, MONDO:0011436, OMIM 604320.

Submission:

3billion
Classification: Pathogenic for Autosomal recessive distal spinal muscular atrophy 1. Last evaluated: 2023-10-12. Review status: criteria provided, single submitter. Criteria: ACMG Guidelines, 2015. Collection method: clinical testing. Allele origin: germline. Affected: yes.
Comment: The variant is not observed in the gnomAD v2.1.1 dataset. Predicted Consequence/Location: Frameshift: predicted to result in a loss or disruption of normal protein function through nonsense-mediated decay (NMD) or protein truncation. Multiple pathogenic variants are reported downstream of the variant. Therefore, this variant is classified as Pathogenic according to the recommendation of ACMG/AMP guideline.